The following is an entry in ClinVar:

NM_000169.3(GLA):c.157A>T (p.Asn53Tyr)

Genes: GLA (galactosidase alpha; minus strand), RPL36A-HNRNPH2 (RPL36A-HNRNPH2 readthrough; plus strand). Cytogenetic location: Xq22.1.
Variant type: single nucleotide variant.
Coding change: c.157A>T on transcript NM_000169.3 (MANE Select); coding-DNA position 157, A replaced by T.
Protein change: p.Asn53Tyr; replaces asparagine 53 with tyrosine.
Molecular consequence: missense variant. On other transcripts: non-coding transcript variant (3), intron variant (2).
Genome position (GRCh38, 1-based): chrX:101,407,747, T>A on the plus strand (A>T on the coding strand, the complement: GLA is on the minus strand). VCF-style: chrX-101407747-T-A. GRCh37 (hg19) VCF-style: chrX-100662735-T-A.
Other names: c.157A>T, p.Asn53Tyr (NM_001406747.1, NM_001406748.1, NM_001406749.1); c.301-4189T>A (NM_001199973.2); c.178-4189T>A (NM_001199974.2); short protein forms N53Y.
Identifiers: ClinVar variation 4087287 (VCV004087287.2).

ClinVar aggregate classification (germline): Uncertain significance (1 of 4 stars; one submission).

Conditions:
Fabry disease. Also called: ALPHA-GALACTOSIDASE A DEFICIENCY; ANDERSON-FABRY DISEASE; CERAMIDE TRIHEXOSIDASE DEFICIENCY; GLA DEFICIENCY; HEREDITARY DYSTOPIC LIPIDOSIS; Angiokeratoma corporis diffusum. Identifiers: Orphanet 324, MedGen C0002986, MONDO:0010526, OMIM 301500, HP:0001071. Disease mechanism: Fabry disease is due to inactivating mutations in the X-linked GLA gene resulting in deficiency of the enzyme Alpha Galactosidase-A., loss of function.

Submission:

Genomenon, Inc
Classification: Uncertain significance for Fabry disease. Last evaluated: 2026-09-08. Review status: criteria provided, single submitter. Criteria: Genomenon Sequence Variant Interpretation Standards - Updated. Collection method: curation. Allele origin: germline. Affected: yes.
Comment: GLA p.Asn53Tyr (c.157A>T) is a missense variant that changes the amino acid at codon 53 from Asparagine to Tyrosine. This variant has been observed in at least one proband with clinical features consistent with Fabry disease (PMID:32843101). Functional or patient cell studies have been reported (PMID:33016649). It is absent or not present at a significant frequency in gnomAD. In silico models predict that this variant is possibly or probably damaging. In conclusion, we classify GLA p.Asn53Tyr (c.157A>T) as a variant of uncertain significance.

Literature cited by the submitters: PubMed 32843101; PubMed 33016649.